The following is an entry in ClinVar:

NM_024301.5(FKRP):c.85C>A (p.His29Asn)

Gene: FKRP (fukutin related protein; plus strand). Cytogenetic location: 19q13.32.
Variant type: single nucleotide variant.
Coding change: c.85C>A on transcript NM_024301.5 (MANE Select); coding-DNA position 85, C replaced by A.
Protein change: p.His29Asn; replaces histidine 29 with asparagine.
Molecular consequence: missense variant.
Genome position (GRCh38, 1-based): chr19:46,755,535, C>A. VCF-style: chr19-46755535-C-A. GRCh37 (hg19) VCF-style: chr19-47258792-C-A.
Other names: c.85C>A, p.His29Asn (NM_001039885.3); short protein forms H29N.
Identifiers: ClinVar variation 1763998 (VCV001763998.2), dbSNP rs886043192, ClinGen allele CA406494634.

ClinVar aggregate classification (germline): Uncertain significance (1 of 4 stars; one submission).

Conditions:
Cardiovascular phenotype. Identifiers: MedGen CN230736.

Submission:

Ambry Genetics
Classification: Uncertain significance for Cardiovascular phenotype. Last evaluated: 2022-10-21. Review status: criteria provided, single submitter. Criteria: Ambry Variant Classification Scheme 2023. Collection method: clinical testing. Allele origin: germline.
Comment: The p.H29N variant (also known as c.85C>A), located in coding exon 1 of the FKRP gene, results from a C to A substitution at nucleotide position 85. The histidine at codon 29 is replaced by asparagine, an amino acid with similar properties. This amino acid position is conserved. In addition, the in silico prediction for this alteration is inconclusive. Since supporting evidence is limited at this time, the clinical significance of this alteration remains unclear.